The following is an entry in ClinVar:

ClinVar aggregate classification (germline): Pathogenic/Likely pathogenic. Review status: criteria provided, multiple submitters, no conflicts (2 of 4 stars). 4 submissions from 4 submitters: Pathogenic (3); Likely pathogenic (1). Last evaluated 2024-10-02.

Conditions:
Hereditary cancer-predisposing syndrome. Also called: Neoplastic Syndromes, Hereditary; Hereditary Cancer Syndrome; Tumor predisposition; Hereditary neoplastic syndrome. Identifiers: Orphanet 140162, MedGen C0027672, MeSH D009386, MONDO:0015356.
Lynch syndrome 4 (LYNCH4). Also called: Hereditary non-polyposis colorectal cancer, type 4; Colorectal cancer, hereditary nonpolyposis, type 4. Identifiers: Orphanet 144, MedGen C1838333, MONDO:0013699, OMIM 614337. Disease mechanism: loss of function.
Hereditary nonpolyposis colorectal neoplasms. Identifiers: MedGen C0009405, MeSH D003123.

Allele frequency attached by ClinVar (database versions not stated): gnomAD exomes below 0.00001.
gnomAD v4.1: 1 of 1,610,032 alleles (0.000062%); highest among the groups gnomAD compares: South Asian, 0.0011%; no homozygotes.

Submissions (4):

Ambry Genetics
Classification: Pathogenic for Hereditary cancer-predisposing syndrome. Last evaluated: 2024-10-02. Review status: criteria provided, single submitter. Criteria: Ambry Variant Classification Scheme 2023. Collection method: clinical testing. Allele origin: germline.
Comment: The p.Q174* pathogenic mutation (also known as c.520C>T), located in coding exon 5 of the PMS2 gene, results from a C to T substitution at nucleotide position 520. This changes the amino acid from a glutamine to a stop codon within coding exon 5. This alteration is expected to result in loss of function by premature protein truncation or nonsense-mediated mRNA decay. As such, this alteration is interpreted as a disease-causing mutation.

Labcorp Genetics (formerly Invitae), Labcorp
Classification: Pathogenic for Hereditary nonpolyposis colorectal neoplasms. Last evaluated: 2024-09-14. Review status: criteria provided, single submitter. Criteria: Invitae Variant Classification Sherloc (09022015). Collection method: clinical testing. Allele origin: germline.
Comment: This sequence change creates a premature translational stop signal (p.Gln174*) in the PMS2 gene. It is expected to result in an absent or disrupted protein product. Loss-of-function variants in PMS2 are known to be pathogenic (PMID: 21376568, 24362816). This variant is present in population databases (no rsID available, gnomAD 0.003%). This variant has not been reported in the literature in individuals affected with PMS2-related conditions. ClinVar contains an entry for this variant (Variation ID: 853252). For these reasons, this variant has been classified as Pathogenic.

Myriad Genetics, Inc.
Classification: Pathogenic for Lynch syndrome 4. Last evaluated: 2023-09-19. Review status: criteria provided, single submitter. Criteria: Myriad Autosomal Dominant, Autosomal Recessive and X-Linked Classification Criteria (2023). Collection method: clinical testing. Allele origin: unknown.
Comment: This variant is considered pathogenic. This variant creates a termination codon and is predicted to result in premature protein truncation.

Baylor Genetics
Classification: Likely pathogenic for Lynch syndrome 4. Last evaluated: 2023-02-09. Review status: criteria provided, single submitter. Criteria: ACMG Guidelines, 2015. Collection method: clinical testing. Allele origin: unknown.

Literature cited by the submitters: PubMed 21376568 (cited by Labcorp Genetics (formerly Invitae), Labcorp); PubMed 24362816 (cited by Labcorp Genetics (formerly Invitae), Labcorp).

NM_000535.7(PMS2):c.520C>T (p.Gln174Ter)

Gene: PMS2 (PMS1 homolog 2, mismatch repair system component; minus strand). Cytogenetic location: 7p22.1.
Variant type: single nucleotide variant.
Coding change: c.520C>T on transcript NM_000535.7 (MANE Select); coding-DNA position 520, C replaced by T.
Protein change: p.Gln174Ter; replaces glutamine 174 with a stop codon.
Molecular consequence: nonsense. On other transcripts: 5 prime UTR variant (2), non-coding transcript variant (1).
Genome position (GRCh38, 1-based): chr7:6,002,470, G>A on the plus strand (C>T on the coding strand, the complement: PMS2 is on the minus strand). VCF-style: chr7-6002470-G-A. GRCh37 (hg19) VCF-style: chr7-6042101-G-A.
Other names: c.115C>T, p.Gln39Ter (NM_001322003.2, NM_001322004.2, NM_001322005.2 and 3 more transcripts); c.520C>T, p.Gln174Ter (NM_001322006.2, NM_001322014.2); c.202C>T, p.Gln68Ter (NM_001322007.2, NM_001322008.2); c.-365C>T (NM_001322011.2, NM_001322012.2); c.211C>T, p.Gln71Ter (NM_001322015.2); short protein forms Q68*, Q71*, Q174*, Q39*.
Identifiers: ClinVar variation 853252 (VCV000853252.10), dbSNP rs1221485925, ClinGen allele CA366744185.